The following is an entry in ClinVar:

ClinVar aggregate classification (germline): Uncertain significance. Review status: criteria provided, multiple submitters, no conflicts (2 of 4 stars). 3 submissions from 3 submitters: Uncertain significance (3). Last evaluated 2025-05-28.

Conditions:
Inborn genetic diseases. Identifiers: MedGen C0950123, MeSH D030342.

Submissions (3):

GeneDx
Classification: Uncertain significance. Last evaluated: 2025-05-28. Review status: criteria provided, single submitter. Criteria: GeneDx Variant Classification Process June 2021. Collection method: clinical testing. Allele origin: germline. Affected: yes.
Comment: Not observed at significant frequency in large population cohorts (gnomAD); In silico analysis suggests that this missense variant does not alter protein structure/function; Has not been previously published as pathogenic or benign to our knowledge; This variant is associated with the following publications: (PMID: 28545555)

Ambry Genetics
Classification: Uncertain significance for Inborn genetic diseases. Last evaluated: 2025-02-15. Review status: criteria provided, single submitter. Criteria: Ambry Variant Classification Scheme 2023. Collection method: clinical testing. Allele origin: germline.
Comment: The p.S1129N variant (also known as c.3386G>A), located in coding exon 1 of the SAMD9L gene, results from a G to A substitution at nucleotide position 3386. The serine at codon 1129 is replaced by asparagine, an amino acid with highly similar properties. This amino acid position is conserved. In addition, this alteration is predicted to be tolerated by in silico analysis. Based on the available evidence, the clinical significance of this variant remains unclear.

Labcorp Genetics (formerly Invitae), Labcorp
Classification: Uncertain significance. Last evaluated: 2024-03-02. Review status: criteria provided, single submitter. Criteria: Invitae Variant Classification Sherloc (09022015). Collection method: clinical testing. Allele origin: germline.
Comment: This sequence change replaces serine, which is neutral and polar, with asparagine, which is neutral and polar, at codon 1129 of the SAMD9L protein (p.Ser1129Asn). This variant is not present in population databases (gnomAD no frequency). This variant has not been reported in the literature in individuals affected with SAMD9L-related conditions. ClinVar contains an entry for this variant (Variation ID: 1518753). Advanced modeling of protein sequence and biophysical properties (such as structural, functional, and spatial information, amino acid conservation, physicochemical variation, residue mobility, and thermodynamic stability) performed at Invitae indicates that this missense variant is not expected to disrupt SAMD9L protein function with a negative predictive value of 80%. In summary, the available evidence is currently insufficient to determine the role of this variant in disease. Therefore, it has been classified as a Variant of Uncertain Significance.

NM_152703.5(SAMD9L):c.3386G>A (p.Ser1129Asn)

Gene: SAMD9L (sterile alpha motif domain containing 9 like; minus strand). Cytogenetic location: 7q21.2.
Variant type: single nucleotide variant.
Coding change: c.3386G>A on transcript NM_152703.5 (MANE Select); coding-DNA position 3386, G replaced by A.
Protein change: p.Ser1129Asn; replaces serine 1129 with asparagine.
Molecular consequence: missense variant.
Genome position (GRCh38, 1-based): chr7:93,132,586, C>T on the plus strand (G>A on the coding strand, the complement: SAMD9L is on the minus strand). VCF-style: chr7-93132586-C-T. GRCh37 (hg19) VCF-style: chr7-92761899-C-T.
Other names: c.3386G>A, p.Ser1129Asn (NM_001303496.3, NM_001303497.3, NM_001303498.3 and 5 more transcripts); c.3386G>A (NM_152703.2, NM_152703.3); short protein forms S1129N.
Identifiers: ClinVar variation 1518753 (VCV001518753.10), dbSNP rs747181782, ClinGen allele CA368182916.